The following is an entry in ClinVar:

NM_001148.6(ANK2):c.10947G>A (p.Met3649Ile)

Gene: ANK2 (ankyrin 2; plus strand). Cytogenetic location: 4q26.
Variant type: single nucleotide variant.
Coding change: c.10947G>A on transcript NM_001148.6 (MANE Select); coding-DNA position 10947, G replaced by A.
Protein change: p.Met3649Ile; replaces methionine 3649 with isoleucine.
Molecular consequence: missense variant.
Genome position (GRCh38, 1-based): chr4:113,365,097, G>A. VCF-style: chr4-113365097-G-A. GRCh37 (hg19) VCF-style: chr4-114286253-G-A.
Other names: c.4407G>A, p.Met1469Ile (NM_001354271.2, NM_001386151.1, NM_001354260.2); c.4563G>A, p.Met1521Ile (NM_001354272.2); c.4392G>A, p.Met1464Ile (NM_001354273.2); c.4458G>A, p.Met1486Ile (NM_001354274.2, NM_001386154.1); c.4665G>A, p.Met1555Ile (NM_001127493.3); c.4530G>A, p.Met1510Ile (NM_001354275.2, NM_001354245.2, NM_001354262.2); c.4506G>A, p.Met1502Ile (NM_001354276.2, NM_001354249.2, NM_001386162.1 and 2 more transcripts); c.4704G>A, p.Met1568Ile (NM_001354225.2); and 35 more; short protein forms M1555I, M3649I, M1436I, M1489I, M1521I, M1564I, M1576I, M1579I.
Identifiers: ClinVar variation 386827 (VCV000386827.9), dbSNP rs1057522614, ClinGen allele CA16605040.

ClinVar aggregate classification (germline): Uncertain significance. Review status: criteria provided, multiple submitters, no conflicts (2 of 4 stars). 2 submissions from 2 submitters: Uncertain significance (2). Last evaluated 2020-11-17.

Conditions:
Long QT syndrome (LQTS). Identifiers: MedGen C0023976, MeSH D008133, MONDO:0002442. Disease mechanism: loss of function. Inheritance: Various modes of inheritance.

Allele frequency attached by ClinVar (database versions not stated): TOPMed below 0.00001.

Submissions (2):

Labcorp Genetics (formerly Invitae), Labcorp
Classification: Uncertain significance for Long QT syndrome. Last evaluated: 2020-11-17. Review status: criteria provided, single submitter. Criteria: Invitae Variant Classification Sherloc (09022015). Collection method: clinical testing. Allele origin: germline.
Comment: This sequence change replaces methionine with isoleucine at codon 3649 of the ANK2 protein (p.Met3649Ile). The methionine residue is moderately conserved and there is a small physicochemical difference between methionine and isoleucine. This variant is not present in population databases (ExAC no frequency). This variant has not been reported in the literature in individuals with ANK2-related conditions. ClinVar contains an entry for this variant (Variation ID: 386827). Algorithms developed to predict the effect of missense changes on protein structure and function (SIFT, PolyPhen-2, Align-GVGD) all suggest that this variant is likely to be tolerated, but these predictions have not been confirmed by published functional studies and their clinical significance is uncertain. Algorithms developed to predict the effect of sequence changes on RNA splicing suggest that this variant may create or strengthen a splice site, but this prediction has not been confirmed by published transcriptional studies. In summary, the available evidence is currently insufficient to determine the role of this variant in disease. Therefore, it has been classified as a Variant of Uncertain Significance.

GeneDx
Classification: Uncertain significance. Last evaluated: 2017-04-14. Review status: criteria provided, single submitter. Criteria: GeneDx Variant Classification (06012015). Collection method: clinical testing. Allele origin: germline. Affected: yes.
Comment: The M3649I variant of uncertain significance has been identified in the ANK2 gene. This variant has not been published as a pathogenic variant, nor has it been reported as a benign variant to our knowledge. The M3649I variant was not observed in approximately 6,500 individuals of European and African American ancestry in the NHLBI Exome Sequencing Project, indicating it is not a common benign variant in these populations. Nonetheless, the M3649I variant is a conservative amino acid substitution, which is not likely to impact secondary protein structure as these residues share similar properties. This substitution occurs at a position where amino acids with similar properties to Methionine are tolerated across species, and Isoleucine is the wildtype amino acid at this position in multiple species. Furthermore, in silico analysis is inconsistent in its predictions as to whether or not the variant is damaging to the protein structure/function.Therefore, based on the currently available information, it is unclear whether this variant is pathogenic or benign.